The following is an entry in ClinVar:

ClinVar aggregate classification (germline): Benign. Review status: criteria provided, multiple submitters, no conflicts (2 of 4 stars). 3 submissions from 3 submitters: Benign (3). Last evaluated 2026-02-02.

Conditions:
Retinitis pigmentosa (RP). Identifiers: Orphanet 791, MedGen C0035334, MeSH D012174, MONDO:0019200, OMIM 268000. Inheritance: Autosomal dominant, autosomal recessive and X linked inheritance.

Allele frequency attached by ClinVar (database versions not stated): TOPMed 0.00572; ESP Exome Variant Server 0.00646; 1000 Genomes Project 0.00659; 1000 Genomes Project 30x 0.00734.
gnomAD v4.1: 1,629 of 1,614,092 alleles (0.1%); highest among the groups gnomAD compares: African/African-American, 1.9%; 12 homozygotes.

Submissions (3):

Labcorp Genetics (formerly Invitae), Labcorp
Classification: Benign. Last evaluated: 2026-02-02. Review status: criteria provided, single submitter. Criteria: Invitae Variant Classification Sherloc (09022015). Collection method: clinical testing. Allele origin: germline.

Illumina Laboratory Services, Illumina
Classification: Benign for Retinitis pigmentosa. Last evaluated: 2018-01-12. Review status: criteria provided, single submitter. Criteria: ICSL Variant Classification Criteria 13 December 2019. Collection method: clinical testing. Allele origin: germline.
Comment: This variant was observed in the ICSL laboratory as part of a predisposition screen in an ostensibly healthy population. It had not been previously curated by ICSL or reported in the Human Gene Mutation Database (HGMD: prior to June 1st, 2018), and was therefore a candidate for classification through an automated scoring system. Utilizing variant allele frequency, disease prevalence and penetrance estimates, and inheritance mode, an automated score was calculated to assess if this variant is too frequent to cause the disease. Based on the score and internal cut-off values, a variant classified as benign is not then subjected to further curation. The score for this variant resulted in a classification of benign for this disease.

Breakthrough Genomics
Classification: Benign. Review status: criteria provided, single submitter. Criteria: ACMG Guidelines, 2015. Collection method: not provided. Allele origin: germline. Inheritance: Unknown mechanism. Affected: yes.

NM_005802.5(TOPORS):c.576G>T (p.Val192=)

Gene: TOPORS (TOP1 binding arginine/serine rich protein, E3 ubiquitin ligase; minus strand). Cytogenetic location: 9p21.1.
Variant type: single nucleotide variant.
Coding change: c.576G>T on transcript NM_005802.5 (MANE Select); coding-DNA position 576, G replaced by T.
Protein change: p.Val192=; no amino-acid change (valine 192 retained).
Molecular consequence: synonymous variant.
Genome position (GRCh38, 1-based): chr9:32,543,949, C>A on the plus strand (G>T on the coding strand, the complement: TOPORS is on the minus strand). VCF-style: chr9-32543949-C-A. GRCh37 (hg19) VCF-style: chr9-32543947-C-A.
Other names: c.381G>T, p.Val127= (NM_001195622.2).
Identifiers: ClinVar variation 366572 (VCV000366572.15), dbSNP rs116721635, ClinGen allele CA5020625.